The following is an entry in ClinVar:

ClinVar aggregate classification (germline): Likely benign (1 of 4 stars; one submission).

Allele frequency attached by ClinVar (database versions not stated): gnomAD exomes 0.00079; ESP Exome Variant Server 0.00123; ExAC 0.00126; gnomAD 0.00240; 1000 Genomes Project 30x 0.00375; 1000 Genomes Project 0.00419.

Submission:

CeGaT Center for Human Genetics Tuebingen
Classification: Likely benign. Last evaluated: 2023-04-01. Review status: criteria provided, single submitter. Criteria: CeGaT Center For Human Genetics Tuebingen Variant Classification Criteria Version 2. Collection method: clinical testing. Allele origin: germline. Affected: yes. Observed: 1 variant allele.
Comment: PCDHB6: BS2

NM_018939.4(PCDHB6):c.1639T>G (p.Leu547Val)

Genes: PCDHB6 (protocadherin beta 6; plus strand), PCDHB@ (protocadherin beta cluster; plus strand). Cytogenetic location: 5q31.3.
Variant type: single nucleotide variant.
Coding change: c.1639T>G on transcript NM_018939.4 (MANE Select); coding-DNA position 1639, T replaced by G.
Protein change: p.Leu547Val; replaces leucine 547 with valine.
Molecular consequence: missense variant.
Genome position (GRCh38, 1-based): chr5:141,151,896, T>G. VCF-style: chr5-141151896-T-G. GRCh37 (hg19) VCF-style: chr5-140531477-T-G.
Other names: c.1231T>G, p.Leu411Val (NM_001303145.2); short protein forms L411V, L547V.
Identifiers: ClinVar variation 2655809 (VCV002655809.24), dbSNP rs140574794, ClinGen allele CA3457834.